The following is an entry in ClinVar:

ClinVar aggregate classification (germline): Uncertain significance (1 of 4 stars; one submission).

Conditions:
Neuropathy, hereditary sensory, type 1F. Also called: Hereditary sensory neuropathy type IF; HSN IF. Identifiers: Orphanet 36386, MedGen C3810194, MONDO:0014286, OMIM 615632.

Submission:

Labcorp Genetics (formerly Invitae), Labcorp
Classification: Uncertain significance for Neuropathy, hereditary sensory, type 1F. Last evaluated: 2025-02-05. Review status: criteria provided, single submitter. Criteria: Invitae Variant Classification Sherloc (09022015). Collection method: clinical testing. Allele origin: germline.
Comment: This sequence change replaces glycine, which is neutral and non-polar, with valine, which is neutral and non-polar, at codon 405 of the ATL3 protein (p.Gly405Val). This variant is not present in population databases (gnomAD no frequency). This variant has not been reported in the literature in individuals affected with ATL3-related conditions. Invitae Evidence Modeling of protein sequence and biophysical properties (such as structural, functional, and spatial information, amino acid conservation, physicochemical variation, residue mobility, and thermodynamic stability) indicates that this missense variant is expected to disrupt ATL3 protein function with a positive predictive value of 80%. In summary, the available evidence is currently insufficient to determine the role of this variant in disease. Therefore, it has been classified as a Variant of Uncertain Significance.

NM_015459.5(ATL3):c.1214G>T (p.Gly405Val)

Genes: ATL3 (atlastin GTPase 3; minus strand), LNCROPM (lncRNA regulator of PLAAT3 mediated phospholipid metabolism; plus strand), LOC126861231 (CDK7 strongly-dependent group 2 enhancer GRCh37_chr11:63398741-63399940; plus strand). Cytogenetic location: 11q13.1.
Variant type: single nucleotide variant.
Coding change: c.1214G>T on transcript NM_015459.5 (MANE Select); coding-DNA position 1214, G replaced by T.
Protein change: p.Gly405Val; replaces glycine 405 with valine.
Molecular consequence: missense variant.
Genome position (GRCh38, 1-based): chr11:63,631,365, C>A on the plus strand (G>T on the coding strand, the complement: ATL3 is on the minus strand). VCF-style: chr11-63631365-C-A. GRCh37 (hg19) VCF-style: chr11-63398837-C-A.
Other names: c.1160G>T, p.Gly387Val (NM_001290048.2); c.1163G>T, p.Gly388Val (NM_001440716.1); c.1157G>T, p.Gly386Val (NM_001440717.1); c.1142G>T, p.Gly381Val (NM_001440718.1); c.1109G>T, p.Gly370Val (NM_001440719.1); c.1103G>T, p.Gly368Val (NM_001440720.1); c.1058G>T, p.Gly353Val (NM_001440721.1); c.1001G>T, p.Gly334Val (NM_001440722.1); short protein forms G388V, G405V, G334V, G370V, G353V, G368V, G387V, G381V.
Identifiers: ClinVar variation 4708851 (VCV004708851.1).